The following is an entry in ClinVar:

NM_000937.5(POLR2A):c.2723C>T (p.Thr908Met)

Genes: POLR2A (RNA polymerase II subunit A; plus strand), LOC126862481 (BRD4-independent group 4 enhancer GRCh37_chr17:7405086-7406285; plus strand). Cytogenetic location: 17p13.1.
Variant type: single nucleotide variant.
Coding change: c.2723C>T on transcript NM_000937.5 (MANE Select); coding-DNA position 2723, C replaced by T.
Protein change: p.Thr908Met; replaces threonine 908 with methionine.
Molecular consequence: missense variant.
Genome position (GRCh38, 1-based): chr17:7,502,668, C>T. VCF-style: chr17-7502668-C-T. GRCh37 (hg19) VCF-style: chr17-7405987-C-T.
Other names: short protein forms T908M.
Identifiers: ClinVar variation 2629297 (VCV002629297.4), dbSNP rs772307253, ClinGen allele CA8349762.

ClinVar aggregate classification (germline): Conflicting classifications of pathogenicity. Review status: criteria provided, conflicting classifications (1 of 4 stars). 3 submissions from 3 submitters: Uncertain significance (2); Likely benign (1). Last evaluated 2026-01-11.

Conditions:
Inborn genetic diseases. Identifiers: MedGen C0950123, MeSH D030342.
POLR2A-related disorder. Also called: POLR2A-related condition.

Allele frequency attached by ClinVar (database versions not stated): gnomAD exomes 0.00001; ExAC 0.00006; TOPMed below 0.00001.

Submissions (3):

Dasa
Classification: Likely benign. Last evaluated: 2026-01-11. Review status: criteria provided, single submitter. Criteria: DASA Assertion Criteria. Collection method: clinical testing. Allele origin: germline.
Comment: NM_000937.5(POLR2A):c.2723C>T (p.Thr908Met) is a missense variant that results in the substitution of threonine with methionine. Population frequency is inconsistent with a disease-causing role for this variant. Computational prediction algorithms are consistent with a benign effect. Therefore, based on the currently available evidence, this variant is classified as likely benign.

Ambry Genetics
Classification: Uncertain significance for Inborn genetic diseases. Last evaluated: 2024-02-27. Review status: criteria provided, single submitter. Criteria: Ambry Variant Classification Scheme 2023. Collection method: clinical testing. Allele origin: germline.

PreventionGenetics, part of Exact Sciences
Classification: Uncertain significance for POLR2A-related condition. Last evaluated: 2023-07-03. Review status: criteria provided, single submitter. Criteria: ACMG Guidelines, 2015. Collection method: clinical testing. Allele origin: germline.
Comment: The POLR2A c.2723C>T variant is predicted to result in the amino acid substitution p.Thr908Met. To our knowledge, this variant has not been reported in the literature. This variant is reported in 0.0033% of alleles in individuals of South Asian descent in gnomAD. At this time, the clinical significance of this variant is uncertain due to the absence of conclusive functional and genetic evidence.